The following is an entry in ClinVar:

NM_003702.5(RGS20):c.9G>C (p.Thr3=)

Gene: RGS20 (regulator of G protein signaling 20; plus strand). Cytogenetic location: 8q11.23.
Variant type: single nucleotide variant.
Coding change: c.9G>C on transcript NM_003702.5 (MANE Select); coding-DNA position 9, G replaced by C.
Protein change: p.Thr3=; no amino-acid change (threonine 3 retained).
Molecular consequence: synonymous variant. On other transcripts: non-coding transcript variant (2), intron variant (4).
Genome position (GRCh38, 1-based): chr8:53,881,024, G>C. VCF-style: chr8-53881024-G-C. GRCh37 (hg19) VCF-style: chr8-54793584-G-C.
Other names: c.510+1422G>C (NM_170587.4); c.165+28960G>C (NM_001286673.2); c.35+28960G>C (NM_001286675.2, NM_001286674.2).
Identifiers: ClinVar variation 2658601 (VCV002658601.24), dbSNP rs533825043, ClinGen allele CA4749715.

ClinVar aggregate classification (germline): Likely benign (1 of 4 stars; one submission).

Allele frequency attached by ClinVar (database versions not stated): 1000 Genomes Project 0.00060; 1000 Genomes Project 30x 0.00078.
gnomAD v4.1: 4,767 of 1,589,470 alleles (0.3%); highest among the groups gnomAD compares: Non-Finnish European, 0.36%; 15 homozygotes.

Submission:

CeGaT Center for Human Genetics Tuebingen
Classification: Likely benign. Last evaluated: 2023-05-01. Review status: criteria provided, single submitter. Criteria: CeGaT Center For Human Genetics Tuebingen Variant Classification Criteria Version 2. Collection method: clinical testing. Allele origin: germline. Affected: yes. Observed: 1 variant allele.
Comment: RGS20: BP4, BP7